The following is an entry in ClinVar:

NM_022124.6(CDH23):c.5132T>C (p.Val1711Ala)

Gene: CDH23 (cadherin related 23; plus strand). Cytogenetic location: 10q22.1.
Variant type: single nucleotide variant.
Coding change: c.5132T>C on transcript NM_022124.6 (MANE Select); coding-DNA position 5132, T replaced by C.
Protein change: p.Val1711Ala; replaces valine 1711 with alanine.
Molecular consequence: missense variant.
Genome position (GRCh38, 1-based): chr10:71,778,253, T>C. VCF-style: chr10-71778253-T-C. GRCh37 (hg19) VCF-style: chr10-73538010-T-C.
Other names: short protein forms V1711A.
Identifiers: ClinVar variation 970085 (VCV000970085.5), dbSNP rs762613557, ClinGen allele CA5545654.
Genomic context (GRCh38, chr10:71,778,253, plus strand): 5'-TCATCACTGCTGCCAAAGAGCTGGACTACGAGATCAGCCACGGCCGCTACACCCTGATCG[T>C]CACTGCCACAGACCAGTGCCCCATCTTATCCCACCGCCTCACCTCTACCACCACGGTGGG-3'
Protein context (NP_071407.4, residues 1701-1721): EISHGRYTLI[Val1711Ala]TATDQCPILS

ClinVar aggregate classification (germline): Uncertain significance. Review status: criteria provided, multiple submitters, no conflicts (2 of 4 stars). 3 submissions from 3 submitters: Uncertain significance (2). 1 of the submissions does not count toward it. Last evaluated 2024-01-17.

Conditions:
Usher syndrome type 1 (USH1). Also called: RETINITIS PIGMENTOSA AND CONGENITAL DEAFNESS. Identifiers: Orphanet 231169, Orphanet 886, MedGen C1568247, MONDO:0010168, OMIM 276900.

Allele frequency attached by ClinVar (database versions not stated): gnomAD 0.00001; gnomAD exomes 0.00001 and 0.00002; TOPMed 0.00001; ExAC 0.00002.
gnomAD v4.1: 25 of 1,613,630 alleles (0.0015%); highest among the groups gnomAD compares: South Asian, 0.0044%; no homozygotes.

Submissions (3):

Blueprint Genetics
Classification: Uncertain significance. Last evaluated: 2024-01-17. Review status: criteria provided, single submitter. Criteria: ACMG Guidelines, 2015. Collection method: clinical testing. Allele origin: germline.

Labcorp Genetics (formerly Invitae), Labcorp
Classification: Uncertain significance. Last evaluated: 2021-08-26. Review status: criteria provided, single submitter. Criteria: Invitae Variant Classification Sherloc (09022015). Collection method: clinical testing. Allele origin: germline.
Comment: This sequence change replaces valine with alanine at codon 1711 of the CDH23 protein (p.Val1711Ala). The valine residue is highly conserved and there is a small physicochemical difference between valine and alanine. This variant is present in population databases (rs762613557, ExAC 0.006%). This variant has not been reported in the literature in individuals affected with CDH23-related conditions. Algorithms developed to predict the effect of missense changes on protein structure and function are either unavailable or do not agree on the potential impact of this missense change (SIFT: "Deleterious"; PolyPhen-2: "Not Available"; Align-GVGD: "Class C55"). In summary, the available evidence is currently insufficient to determine the role of this variant in disease. Therefore, it has been classified as a Variant of Uncertain Significance.

Natera, Inc.
Classification: Uncertain significance for Usher syndrome type 1. Last evaluated: 2020-04-16. Review status: no assertion criteria provided. Collection method: clinical testing. Allele origin: germline. Not counted in ClinVar's aggregate classification.